The following is an entry in ClinVar:

NM_022552.5(DNMT3A):c.1419G>T (p.Glu473Asp)

Gene: DNMT3A (DNA methyltransferase 3 alpha; minus strand). Cytogenetic location: 2p23.3.
Variant type: single nucleotide variant.
Coding change: c.1419G>T on transcript NM_022552.5 (MANE Select); coding-DNA position 1419, G replaced by T.
Protein change: p.Glu473Asp; replaces glutamic acid 473 with aspartic acid.
Molecular consequence: missense variant. On other transcripts: non-coding transcript variant (1).
Genome position (GRCh38, 1-based): chr2:25,246,170, C>A on the plus strand (G>T on the coding strand, the complement: DNMT3A is on the minus strand). VCF-style: chr2-25246170-C-A. GRCh37 (hg19) VCF-style: chr2-25469039-C-A.
Other names: c.963G>T, p.Glu321Asp (NM_001320893.1); c.750G>T, p.Glu250Asp (NM_001375819.1); c.852G>T, p.Glu284Asp (NM_153759.3); c.1419G>T, p.Glu473Asp (NM_175629.2); short protein forms E473D, E284D, E321D, E250D.
Identifiers: ClinVar variation 4243633 (VCV004243633.1).
Genomic context (GRCh38, chr2:25,246,170, plus strand): 5'-CTCGGATGCAGGCCTCCTGGTGCCACCCTCTCCAGAAGCAGGCCAACTACCTCTTGTGCG[C>A]TCATCAATAATCTCCTTGACCTTGGGCTTCTCCGCTGTGCTCTTCCGGGGCTTTTTGGCT-3'
Protein context (NP_072046.2, residues 463-483): EKPKVKEIID[Glu473Asp]RTRERLVYEV

ClinVar aggregate classification (germline): Uncertain significance (1 of 4 stars; one submission).

Conditions:
Inborn genetic diseases. Identifiers: MedGen C0950123, MeSH D030342.

Submission:

Ambry Genetics
Classification: Uncertain significance for Inborn genetic diseases. Last evaluated: 2025-09-14. Review status: criteria provided, single submitter. Criteria: Ambry Variant Classification Scheme 2023. Collection method: clinical testing. Allele origin: germline.
Comment: The p.E473D variant (also known as c.1419G>T), located in coding exon 10 of the DNMT3A gene, results from a G to T substitution at nucleotide position 1419. The glutamic acid at codon 473 is replaced by aspartic acid, an amino acid with highly similar properties. This amino acid position is conserved. In addition, this alteration is predicted to be tolerated by in silico analysis. Based on the available evidence, the clinical significance of this variant remains unclear.